The following is an entry in ClinVar:

NM_013450.4(BAZ2B):c.4169C>T (p.Pro1390Leu)

Gene: BAZ2B (bromodomain adjacent to zinc finger domain 2B; minus strand). Cytogenetic location: 2q24.2.
Variant type: single nucleotide variant.
Coding change: c.4169C>T on transcript NM_013450.4 (MANE Select); coding-DNA position 4169, C replaced by T.
Protein change: p.Pro1390Leu; replaces proline 1390 with leucine.
Molecular consequence: missense variant.
Genome position (GRCh38, 1-based): chr2:159,373,089, G>A on the plus strand (C>T on the coding strand, the complement: BAZ2B is on the minus strand). VCF-style: chr2-159373089-G-A. GRCh37 (hg19) VCF-style: chr2-160229600-G-A.
Other names: c.4061C>T, p.Pro1354Leu (NM_001289975.1); c.4007C>T, p.Pro1336Leu (NM_001329857.2); c.4094C>T, p.Pro1365Leu (NM_001329858.2); short protein forms P1336L, P1354L, P1365L, P1390L.
Identifiers: ClinVar variation 3367599 (VCV003367599.1).

ClinVar aggregate classification (germline): Uncertain significance (1 of 4 stars; one submission).

Submission:

GeneDx
Classification: Uncertain significance. Last evaluated: 2024-01-08. Review status: criteria provided, single submitter. Criteria: GeneDx Variant Classification Process June 2021. Collection method: clinical testing. Allele origin: germline. Affected: yes.
Comment: Not observed at significant frequency in large population cohorts (gnomAD); In silico analysis supports that this missense variant has a deleterious effect on protein structure/function; Has not been previously published as pathogenic or benign to our knowledge